The following is an entry in ClinVar:

ClinVar aggregate classification (germline): Uncertain significance (1 of 4 stars; one submission).

Conditions:
Inborn genetic diseases. Identifiers: MedGen C0950123, MeSH D030342.

gnomAD v4.1: 39 of 1,613,016 alleles (0.0024%); highest among the groups gnomAD compares: Admixed American, 0.005%; no homozygotes.

Submission:

Ambry Genetics
Classification: Uncertain significance for Inborn genetic diseases. Last evaluated: 2020-05-12. Review status: criteria provided, single submitter. Criteria: Ambry Variant Classification Scheme 2023. Collection method: clinical testing. Allele origin: germline.
Comment: The p.A543T variant (also known as c.1627G>A), located in coding exon 11 of the MAN1B1 gene, results from a G to A substitution at nucleotide position 1627. The alanine at codon 543 is replaced by threonine, an amino acid with similar properties. This amino acid position is not well conserved in available vertebrate species, and threonine is the reference amino acid in other vertebrate species. In addition, this alteration is predicted to be tolerated by in silico analysis. Since supporting evidence is limited at this time, the clinical significance of this alteration remains unclear.

NM_016219.5(MAN1B1):c.1627G>A (p.Ala543Thr)

Gene: MAN1B1 (mannosidase alpha class 1B member 1; plus strand). Cytogenetic location: 9q34.3.
Variant type: single nucleotide variant.
Coding change: c.1627G>A on transcript NM_016219.5 (MANE Select); coding-DNA position 1627, G replaced by A.
Protein change: p.Ala543Thr; replaces alanine 543 with threonine.
Molecular consequence: missense variant. On other transcripts: non-coding transcript variant (2).
Genome position (GRCh38, 1-based): chr9:137,107,310, G>A. VCF-style: chr9-137107310-G-A. GRCh37 (hg19) VCF-style: chr9-140001762-G-A.
Other names: c.1519G>A, p.Ala507Thr (NM_007230.1); short protein forms A507T, A543T.
Identifiers: ClinVar variation 1776726 (VCV001776726.2), dbSNP rs755475463, ClinGen allele CA5359315.